The following is an entry in ClinVar:

NM_004369.4(COL6A3):c.8750C>A (p.Pro2917His)

Gene: COL6A3 (collagen type VI alpha 3 chain; minus strand). Cytogenetic location: 2q37.3.
Variant type: single nucleotide variant.
Coding change: c.8750C>A on transcript NM_004369.4 (MANE Select); coding-DNA position 8750, C replaced by A.
Protein change: p.Pro2917His; replaces proline 2917 with histidine.
Molecular consequence: missense variant.
Genome position (GRCh38, 1-based): chr2:237,336,350, G>T on the plus strand (C>A on the coding strand, the complement: COL6A3 is on the minus strand). VCF-style: chr2-237336350-G-T. GRCh37 (hg19) VCF-style: chr2-238244993-G-T.
Other names: c.6929C>A, p.Pro2310His (NM_057166.5); c.8132C>A, p.Pro2711His (NM_057167.4); short protein forms P2917H, P2310H, P2711H.
Identifiers: ClinVar variation 579142 (VCV000579142.9), dbSNP rs1559194476, ClinGen allele CA351191703.

ClinVar aggregate classification (germline): Uncertain significance (1 of 4 stars; one submission).

Conditions:
Bethlem myopathy 1A. Also called: Bethlem myopathy 1; MYOPATHY, BENIGN CONGENITAL, WITH CONTRACTURES; Bethlem Muscular Dystrophy. Identifiers: Orphanet 610, MedGen CN029274, MONDO:0024530, OMIM 158810.

Submission:

Labcorp Genetics (formerly Invitae), Labcorp
Classification: Uncertain significance for Bethlem myopathy 1A. Last evaluated: 2023-05-15. Review status: criteria provided, single submitter. Criteria: Invitae Variant Classification Sherloc (09022015). Collection method: clinical testing. Allele origin: germline.
Comment: In summary, the available evidence is currently insufficient to determine the role of this variant in disease. Therefore, it has been classified as a Variant of Uncertain Significance. Advanced modeling of protein sequence and biophysical properties (such as structural, functional, and spatial information, amino acid conservation, physicochemical variation, residue mobility, and thermodynamic stability) performed at Invitae indicates that this missense variant is not expected to disrupt COL6A3 protein function. ClinVar contains an entry for this variant (Variation ID: 579142). This variant has not been reported in the literature in individuals affected with COL6A3-related conditions. This variant is not present in population databases (gnomAD no frequency). This sequence change replaces proline, which is neutral and non-polar, with histidine, which is basic and polar, at codon 2917 of the COL6A3 protein (p.Pro2917His).